The following is an entry in ClinVar:

ClinVar aggregate classification (germline): Uncertain significance (1 of 4 stars; one submission).

Submission:

Ambry Genetics
Classification: Uncertain significance. Last evaluated: 2026-07-24. Review status: criteria provided, single submitter. Criteria: Ambry Variant Classification Scheme 2023. Collection method: clinical testing. Allele origin: germline.
Comment: The p.R642L variant (also known as c.1925G>T), located in coding exon 10 of the ATRIP gene, results from a G to T substitution at nucleotide position 1925. The arginine at codon 642 is replaced by leucine, an amino acid with dissimilar properties. This amino acid position is conserved. In addition, the in silico prediction for this alteration is inconclusive. Based on the available evidence, the clinical significance of this variant remains unclear.

NM_130384.3(ATRIP):c.1925G>T (p.Arg642Leu)

Genes: ATRIP (ATR interacting protein; plus strand), ATRIP-TREX1 (ATRIP-TREX1 readthrough; plus strand). Cytogenetic location: 3p21.31.
Variant type: single nucleotide variant.
Coding change: c.1925G>T on transcript NM_130384.3 (MANE Select); coding-DNA position 1925, G replaced by T.
Protein change: p.Arg642Leu; replaces arginine 642 with leucine.
Molecular consequence: missense variant. On other transcripts: non-coding transcript variant (1).
Genome position (GRCh38, 1-based): chr3:48,464,083, G>T. VCF-style: chr3-48464083-G-T. GRCh37 (hg19) VCF-style: chr3-48505482-G-T.
Other names: c.1544G>T, p.Arg515Leu (NM_001271022.2); c.1646G>T, p.Arg549Leu (NM_001271023.2); c.1925G>T, p.Arg642Leu (NM_032166.4); short protein forms R515L, R642L, R549L.
Identifiers: ClinVar variation 5032436 (VCV005032436.1).
Genomic context (GRCh38, chr3:48,464,083, plus strand): 5'-GTGCGCTGTCCTTTTCAGAAGGCTGCCTCCTGCTGCTGCTGTACATGTACATCACATCAC[G>T]GCCTGACAGAGTGGCCTTGGAGACACAATGGCTCCAGCTGGAACAAGAGGTAAAAACTCC-3'
Protein context (NP_569055.1, residues 632-652): LLLLYMYITS[Arg642Leu]PDRVALETQW